The following is an entry in ClinVar:

NM_020457.3(THAP11):c.321ACAGCAGCAGCAGCAGCAACAGCAGCA[3] (p.Gln132_Ser133insGlnGlnGlnGlnGlnGlnGlnGlnGln)

Genes: CENPT (centromere protein T; minus strand), THAP11 (THAP domain containing 11; plus strand). Cytogenetic location: 16q22.1.
Variant type: Microsatellite.
Coding change: c.321ACAGCAGCAGCAGCAGCAACAGCAGCA[3] on transcript NM_020457.3 (MANE Select); three copies in a row of the 27-base unit ACAGCAGCAGCAGCAGCAACAGCAGCA starting at c.321; the reference has two copies in a row; one copy, 27 bases duplicated.
Protein change: p.Gln132_Ser133insGlnGlnGlnGlnGlnGlnGlnGlnGln.
Molecular consequence: inframe insertion. On other transcripts: intron variant (1).
Genome position (GRCh38, 1-based): chr16:67,842,902-67,842,928, ACAGCAGCAGCAGCAGCAACAGCAGCA duplicated; duplicating any 27 consecutive bases within chr16:67,842,867-67,842,928 gives the same sequence; the position shown is the placement nearest the transcript's 3' end. VCF-style (leftmost placement, unchanged base first): chr16-67842866-G-GCAGCAGCAACAGCAGCAGCAGCAGCAA. GRCh37 (hg19) VCF-style: chr16-67876769-G-GCAGCAGCAACAGCAGCAGCAGCAGCAA.
Other names: c.-492+4481TTGCTGCTGCTGCTGCTGTTGCTGCTG[3] (NM_025082.4).
Identifiers: ClinVar variation 2171698 (VCV002171698.4), dbSNP rs745578392, ClinGen allele CA623121721.

ClinVar aggregate classification (germline): Uncertain significance (1 of 4 stars; one submission).

Submission:

Labcorp Genetics (formerly Invitae), Labcorp
Classification: Uncertain significance. Last evaluated: 2025-11-05. Review status: criteria provided, single submitter. Criteria: Invitae Variant Classification Sherloc (09022015). Collection method: clinical testing. Allele origin: germline.
Comment: This variant, c.348_374dup, results in the insertion of 9 amino acid(s) of the THAP11 protein (p.Gln124_Gln132dup), but otherwise preserves the integrity of the reading frame. The frequency data for this variant in the population databases is considered unreliable, as metrics indicate poor data quality at this position in the gnomAD database. This variant has not been reported in the literature in individuals affected with THAP11-related conditions. In summary, the available evidence is currently insufficient to determine the role of this variant in disease. Therefore, it has been classified as a Variant of Uncertain Significance.